The following is an entry in ClinVar:

ClinVar aggregate classification (germline): Conflicting classifications of pathogenicity. Review status: criteria provided, conflicting classifications (1 of 4 stars). 2 submissions from 2 submitters: Uncertain significance (1); Likely benign (1). Last evaluated 2024-07-30.

Allele frequency attached by ClinVar (database versions not stated): ExAC 0.00003; gnomAD 0.00003; ESP Exome Variant Server 0.00008.
gnomAD v4.1: 37 of 1,606,250 alleles (0.0023%); highest among the groups gnomAD compares: Middle Eastern, 0.033%; no homozygotes.

Submissions (2):

Blueprint Genetics
Classification: Likely benign. Last evaluated: 2024-07-30. Review status: criteria provided, single submitter. Criteria: ACMG Guidelines, 2015. Collection method: clinical testing. Allele origin: germline.

Labcorp Genetics (formerly Invitae), Labcorp
Classification: Uncertain significance. Last evaluated: 2022-12-07. Review status: criteria provided, single submitter. Criteria: Invitae Variant Classification Sherloc (09022015). Collection method: clinical testing. Allele origin: germline.
Comment: This variant has not been reported in the literature in individuals affected with CENPF-related conditions. This sequence change replaces arginine, which is basic and polar, with histidine, which is basic and polar, at codon 2790 of the CENPF protein (p.Arg2790His). This variant is present in population databases (rs369765741, gnomAD 0.02%). In summary, the available evidence is currently insufficient to determine the role of this variant in disease. Therefore, it has been classified as a Variant of Uncertain Significance. Algorithms developed to predict the effect of missense changes on protein structure and function output the following: SIFT: "Tolerated"; PolyPhen-2: "Benign"; Align-GVGD: "Class C0". The histidine amino acid residue is found in multiple mammalian species, which suggests that this missense change does not adversely affect protein function.

NM_016343.4(CENPF):c.8369G>A (p.Arg2790His)

Gene: CENPF (centromere protein F; plus strand). Cytogenetic location: 1q41.
Variant type: single nucleotide variant.
Coding change: c.8369G>A on transcript NM_016343.4 (MANE Select); coding-DNA position 8369, G replaced by A.
Protein change: p.Arg2790His; replaces arginine 2790 with histidine.
Molecular consequence: missense variant.
Genome position (GRCh38, 1-based): chr1:214,655,287, G>A. VCF-style: chr1-214655287-G-A. GRCh37 (hg19) VCF-style: chr1-214828630-G-A.
Other names: short protein forms R2790H.
Identifiers: ClinVar variation 2795459 (VCV002795459.4), dbSNP rs369765741, ClinGen allele CA1391414.